The following is an entry in ClinVar:

ClinVar aggregate classification (germline): Conflicting classifications of pathogenicity. Review status: criteria provided, conflicting classifications (1 of 4 stars). 5 submissions from 5 submitters: Uncertain significance (1); Likely benign (4). Last evaluated 2026-04-08.

Conditions:
EPHB4-related disorder. Also called: EPHB4-related condition; EPHB4-related disorders.
Cardiovascular phenotype. Identifiers: MedGen CN230736.

Allele frequency attached by ClinVar (database versions not stated): gnomAD exomes 0.00011 and 0.00019; ESP Exome Variant Server 0.00046; gnomAD 0.00048; TOPMed 0.00049; 1000 Genomes Project 0.00060; 1000 Genomes Project 30x 0.00094.

Submissions (5):

Women's Health and Genetics/Laboratory Corporation of America, LabCorp
Classification: Likely benign. Last evaluated: 2026-04-08. Review status: criteria provided, single submitter. Criteria: LabCorp Variant Classification Summary - May 2015. Collection method: clinical testing. Allele origin: germline.
Comment: Variant summary: EPHB4 c.682G>A (p.Val228Ile) results in a conservative amino acid change in the encoded protein sequence. Algorithms developed to predict the effect of missense changes on protein structure and function all suggest that this variant is likely to be tolerated. The variant allele was found at a frequency of 0.00019 in 186712 control chromosomes, predominantly at a frequency of 0.0013 within the African or African-American subpopulation in the gnomAD database. The observed variant frequency within African or African-American control individuals in the gnomAD database exceeds the estimated maximal expected allele frequency for disease-causing variants in EPHB4. To our knowledge, no occurrence of c.682G>A in individuals affected with EPHB4-related conditions and no experimental evidence demonstrating its impact on protein function have been reported. ClinVar contains an entry for this variant (Variation ID: 1658527). Based on the evidence outlined above, the variant was classified as likely benign.

PreventionGenetics, part of Exact Sciences
Classification: Likely benign for EPHB4-related condition. Last evaluated: 2024-12-24. Review status: criteria provided, single submitter. Criteria: ACMG Guidelines, 2015. Collection method: clinical testing. Allele origin: germline.
Comment: This variant is classified as likely benign based on ACMG/AMP sequence variant interpretation guidelines (Richards et al. 2015 PMID: 25741868, with internal and published modifications).

GeneDx
Classification: Uncertain significance. Last evaluated: 2024-07-23. Review status: criteria provided, single submitter. Criteria: GeneDx Variant Classification Process June 2021. Collection method: clinical testing. Allele origin: germline. Affected: yes.
Comment: In silico analysis indicates that this missense variant does not alter protein structure/function; Has not been previously published as pathogenic or benign to our knowledge

Ambry Genetics
Classification: Likely benign for Cardiovascular phenotype. Last evaluated: 2023-02-23. Review status: criteria provided, single submitter. Criteria: Ambry Variant Classification Scheme 2023. Collection method: clinical testing. Allele origin: germline.

Labcorp Genetics (formerly Invitae), Labcorp
Classification: Likely benign. Last evaluated: 2022-09-23. Review status: criteria provided, single submitter. Criteria: Invitae Variant Classification Sherloc (09022015). Collection method: clinical testing. Allele origin: germline.

NM_004444.5(EPHB4):c.682G>A (p.Val228Ile)

Gene: EPHB4 (EPH receptor B4; minus strand). Cytogenetic location: 7q22.1.
Variant type: single nucleotide variant.
Coding change: c.682G>A on transcript NM_004444.5 (MANE Select); coding-DNA position 682, G replaced by A.
Protein change: p.Val228Ile; replaces valine 228 with isoleucine.
Molecular consequence: missense variant.
Genome position (GRCh38, 1-based): chr7:100,822,397, C>T on the plus strand (G>A on the coding strand, the complement: EPHB4 is on the minus strand). VCF-style: chr7-100822397-C-T. GRCh37 (hg19) VCF-style: chr7-100420019-C-T.
Other names: c.682G>A (NM_004444.4); short protein forms V228I.
Identifiers: ClinVar variation 1658527 (VCV001658527.13), dbSNP rs146902369, ClinGen allele CA4393233.